The following is an entry in ClinVar:

NM_001005405.3(KRTAP5-11):c.317G>A (p.Cys106Tyr)

Gene: KRTAP5-11 (keratin associated protein 5-11; minus strand). Cytogenetic location: 11q13.4.
Variant type: single nucleotide variant.
Coding change: c.317G>A on transcript NM_001005405.3 (MANE Select); coding-DNA position 317, G replaced by A.
Protein change: p.Cys106Tyr; replaces cysteine 106 with tyrosine.
Molecular consequence: missense variant.
Genome position (GRCh38, 1-based): chr11:71,582,521, C>T on the plus strand (G>A on the coding strand, the complement: KRTAP5-11 is on the minus strand). VCF-style: chr11-71582521-C-T. GRCh37 (hg19) VCF-style: chr11-71293567-C-T.
Other names: short protein forms C106Y.
Identifiers: ClinVar variation 2642108 (VCV002642108.24), dbSNP rs150290638, ClinGen allele CA6164781.

ClinVar aggregate classification (germline): Likely benign (1 of 4 stars; one submission).

Allele frequency attached by ClinVar (database versions not stated): 1000 Genomes Project 0.00140; gnomAD 0.00201; ExAC 0.00209; ESP Exome Variant Server 0.00223; TOPMed 0.00266; gnomAD exomes 0.00269.

Submission:

CeGaT Center for Human Genetics Tuebingen
Classification: Likely benign. Last evaluated: 2022-11-01. Review status: criteria provided, single submitter. Criteria: CeGaT Center For Human Genetics Tuebingen Variant Classification Criteria Version 2. Collection method: clinical testing. Allele origin: germline. Affected: yes. Observed: 1 variant allele.
Comment: KRTAP5-11: BP4, BS2